The following is an entry in ClinVar:

ClinVar aggregate classification (germline): Conflicting classifications of pathogenicity. Review status: criteria provided, conflicting classifications (1 of 4 stars). 4 submissions from 4 submitters: Likely pathogenic (1); Uncertain significance (2). 1 of the submissions does not count toward it. Last evaluated 2024-01-01.

Conditions:
RPGR-related disorder. Also called: RPGR-related condition.
Retinal dystrophy. Also called: Inherited retinal dystrophy. Identifiers: Orphanet 71862, MedGen C0854723, MeSH D058499, MONDO:0019118, HP:0000556.
Primary ciliary dyskinesia. Also called: Ciliary dyskinesia. Identifiers: Orphanet 244, MedGen C0008780, MONDO:0016575, HP:0012265.

Submissions (4):

CeGaT Center for Human Genetics Tuebingen
Classification: Uncertain significance. Last evaluated: 2024-01-01. Review status: criteria provided, single submitter. Criteria: CeGaT Center For Human Genetics Tuebingen Variant Classification Criteria Version 2. Collection method: clinical testing. Allele origin: germline. Affected: yes. Observed: 1 variant allele.
Comment: RPGR: PM2

Labcorp Genetics (formerly Invitae), Labcorp
Classification: Uncertain significance for Primary ciliary dyskinesia. Last evaluated: 2022-03-04. Review status: criteria provided, single submitter. Criteria: Invitae Variant Classification Sherloc (09022015). Collection method: clinical testing. Allele origin: germline.
Comment: Variants that disrupt the consensus splice site are a relatively common cause of aberrant splicing (PMID: 17576681, 9536098). Algorithms developed to predict the effect of sequence changes on RNA splicing suggest that this variant may disrupt the consensus splice site. In summary, the available evidence is currently insufficient to determine the role of this variant in disease. Therefore, it has been classified as a Variant of Uncertain Significance. ClinVar contains an entry for this variant (Variation ID: 866849). This sequence change falls in intron 14 of the RPGR gene. It does not directly change the encoded amino acid sequence of the RPGR protein. It affects a nucleotide within the consensus splice site. This variant is not present in population databases (gnomAD no frequency). This variant has not been reported in the literature in individuals affected with RPGR-related conditions.

Blueprint Genetics
Classification: Likely pathogenic for RPGR-related disorders. Last evaluated: 2018-11-06. Review status: criteria provided, single submitter. Criteria: ACMG Guidelines, 2015. Collection method: clinical testing. Allele origin: germline. Affected: yes. Observed: 1 variant allele.

Institute of Human Genetics, Univ. Regensburg, Univ. Regensburg
Classification: Likely pathogenic for Retinal dystrophy. Last evaluated: 2018-01-01. Review status: no assertion criteria provided. Criteria: ACMG Guidelines, 2015. Collection method: clinical testing. Allele origin: germline. Affected: yes. Not counted in ClinVar's aggregate classification.

Literature cited by the submitters: PubMed 17576681 (cited by Labcorp Genetics (formerly Invitae), Labcorp); PubMed 9536098 (cited by Labcorp Genetics (formerly Invitae), Labcorp).

NM_001034853.2(RPGR):c.1754-2dup

Gene: RPGR (retinitis pigmentosa GTPase regulator; minus strand). Cytogenetic location: Xp11.4.
Variant type: Duplication.
Coding change: c.1754-2dup on transcript NM_001034853.2 (MANE Select); the canonical splice acceptor site of the intron before coding-DNA position 1754, one base duplicated (A; older notation c.1754-2dupA).
Molecular consequence: splice acceptor variant. On other transcripts: intron variant (5).
Genome position (GRCh38, 1-based): chrX:38,287,247, T duplicated on the plus strand (A on the coding strand, the reverse complement: RPGR is on the minus strand). VCF-style (leftmost placement, unchanged base first): chrX-38287246-C-CT. GRCh37 (hg19) VCF-style: chrX-38146499-C-CT.
Other names: c.1569+3712dup (NM_001367249.1, NM_001367250.1); c.1751-2dup (NM_001367245.1); c.1386+3712dup (NM_001367251.1); c.1568-2dup (NM_001367246.1); c.1572+3712dup (NM_001367247.1); c.1754-2dup (NM_000328.3); c.1602+3712dup (NM_001367248.1).
Identifiers: ClinVar variation 866849 (VCV000866849.29), dbSNP rs2067203496, ClinGen allele CA916083916.